The following is an entry in ClinVar:

ClinVar aggregate classification (germline): Likely benign (0 of 4 stars; one submission).

Conditions:
TMEM132D-related disorder. Also called: TMEM132D-related condition.

Allele frequency attached by ClinVar (database versions not stated): gnomAD 0.00002; TOPMed 0.00002; gnomAD exomes 0.00003; ExAC 0.00005; ESP Exome Variant Server 0.00008; 1000 Genomes Project 30x 0.00016; 1000 Genomes Project 0.00020.
gnomAD v4.1: 47 of 1,612,984 alleles (0.0029%); highest among the groups gnomAD compares: South Asian, 0.016%; no homozygotes.

Submission:

PreventionGenetics, part of Exact Sciences
Classification: Likely benign for TMEM132D-related condition. Last evaluated: 2019-07-10. Review status: no assertion criteria provided. Collection method: clinical testing. Allele origin: germline.
Comment: This variant is classified as likely benign based on ACMG/AMP sequence variant interpretation guidelines (Richards et al. 2015 PMID: 25741868, with internal and published modifications).

NM_133448.3(TMEM132D):c.999C>T (p.Ile333=)

Gene: TMEM132D (transmembrane protein 132D; minus strand). Cytogenetic location: 12q24.33.
Variant type: single nucleotide variant.
Coding change: c.999C>T on transcript NM_133448.3 (MANE Select); coding-DNA position 999, C replaced by T.
Protein change: p.Ile333=; no amino-acid change (isoleucine 333 retained).
Molecular consequence: synonymous variant.
Genome position (GRCh38, 1-based): chr12:129,531,175, G>A on the plus strand (C>T on the coding strand, the complement: TMEM132D is on the minus strand). VCF-style: chr12-129531175-G-A. GRCh37 (hg19) VCF-style: chr12-130015720-G-A.
Identifiers: ClinVar variation 3050738 (VCV003050738.2), dbSNP rs141468212, ClinGen allele CA6876229.
Genomic context (GRCh38, chr12:129,531,175, plus strand): 5'-TCCAGTATAATCCGTGCGCTCCTTGACATCCCAAATGGAAGGGCTGCTGGCTCGCACGCC[G>A]ATGATGTTCACGCCTTTCTTCACCTTTGCCCTGTTGGAGACAGCACGTGTGGGTCTGAGT-3'
Protein context (NP_597705.2, residues 323-343): RAKVKKGVNI[Ile333=]GVRASSPSIW